The following is an entry in ClinVar:

NM_001350451.2(RBFOX3):c.688C>T (p.Arg230Trp)

Gene: RBFOX3 (RNA binding fox-1 homolog 3; minus strand). Cytogenetic location: 17q25.3.
Variant type: single nucleotide variant.
Coding change: c.688C>T on transcript NM_001350451.2 (MANE Select); coding-DNA position 688, C replaced by T.
Protein change: p.Arg230Trp; replaces arginine 230 with tryptophan.
Molecular consequence: missense variant.
Genome position (GRCh38, 1-based): chr17:79,097,359, G>A on the plus strand (C>T on the coding strand, the complement: RBFOX3 is on the minus strand). VCF-style: chr17-79097359-G-A. GRCh37 (hg19) VCF-style: chr17-77093441-G-A.
Other names: c.688C>T, p.Arg230Trp (NM_001082575.3, NM_001350453.2, NM_001385804.1 and 33 more transcripts); c.685C>T, p.Arg229Trp (NM_001385806.1, NM_001385822.1, NM_001385823.1 and 4 more transcripts); c.595C>T, p.Arg199Trp (NM_001385824.1); c.709C>T, p.Arg237Trp (NM_001385827.1); c.541C>T, p.Arg181Trp (NM_001385847.1); short protein forms R230W, R181W, R199W, R229W, R237W.
Identifiers: ClinVar variation 956959 (VCV000956959.10), dbSNP rs1170085775, ClinGen allele CA401316487.

ClinVar aggregate classification (germline): Uncertain significance. Review status: criteria provided, multiple submitters, no conflicts (2 of 4 stars). 2 submissions from 2 submitters: Uncertain significance (2). Last evaluated 2022-03-10.

Conditions:
Idiopathic generalized epilepsy. Also called: Generalised epilepsy; EIG. Identifiers: MedGen C0270850, MONDO:0005579, OMIM 600669.

Allele frequency attached by ClinVar (database versions not stated): gnomAD exomes below 0.00001; gnomAD 0.00001; TOPMed 0.00001.

Submissions (2):

ARUP Laboratories, Molecular Genetics and Genomics, ARUP Laboratories
Classification: Uncertain significance. Last evaluated: 2022-03-10. Review status: criteria provided, single submitter. Criteria: ARUP Molecular Germline Variant Investigation Process 2021. Collection method: clinical testing. Allele origin: germline.

Labcorp Genetics (formerly Invitae), Labcorp
Classification: Uncertain significance for Idiopathic generalized epilepsy. Last evaluated: 2021-11-03. Review status: criteria provided, single submitter. Criteria: Invitae Variant Classification Sherloc (09022015). Collection method: clinical testing. Allele origin: germline.
Comment: In summary, the available evidence is currently insufficient to determine the role of this variant in disease. Therefore, it has been classified as a Variant of Uncertain Significance. Algorithms developed to predict the effect of missense changes on protein structure and function are either unavailable or do not agree on the potential impact of this missense change (SIFT: "Deleterious"; PolyPhen-2: "Probably Damaging"; Align-GVGD: "Class C0"). ClinVar contains an entry for this variant (Variation ID: 956959). This variant has not been reported in the literature in individuals affected with RBFOX3-related conditions. This variant is not present in population databases (gnomAD no frequency). This sequence change replaces arginine, which is basic and polar, with tryptophan, which is neutral and slightly polar, at codon 230 of the RBFOX3 protein (p.Arg230Trp).